The following is an entry in ClinVar:

ClinVar aggregate classification (germline): Uncertain significance (1 of 4 stars; one submission).

Conditions:
Bardet-Biedl syndrome (BBS). Identifiers: Orphanet 110, MedGen C0752166, MONDO:0015229.

Submission:

Labcorp Genetics (formerly Invitae), Labcorp
Classification: Uncertain significance for Bardet-Biedl syndrome. Last evaluated: 2022-07-16. Review status: criteria provided, single submitter. Criteria: Invitae Variant Classification Sherloc (09022015). Collection method: clinical testing. Allele origin: germline.
Comment: This sequence change replaces phenylalanine, which is neutral and non-polar, with leucine, which is neutral and non-polar, at codon 536 of the BBS12 protein (p.Phe536Leu). This variant is not present in population databases (gnomAD no frequency). This variant has not been reported in the literature in individuals affected with BBS12-related conditions. Algorithms developed to predict the effect of missense changes on protein structure and function output the following: SIFT: "Deleterious"; PolyPhen-2: "Benign"; Align-GVGD: "Class C15". The leucine amino acid residue is found in multiple mammalian species, which suggests that this missense change does not adversely affect protein function. In summary, the available evidence is currently insufficient to determine the role of this variant in disease. Therefore, it has been classified as a Variant of Uncertain Significance.

NM_152618.3(BBS12):c.1606T>C (p.Phe536Leu)

Gene: BBS12 (Bardet-Biedl syndrome 12; plus strand). Cytogenetic location: 4q27.
Variant type: single nucleotide variant.
Coding change: c.1606T>C on transcript NM_152618.3 (MANE Select); coding-DNA position 1606, T replaced by C.
Protein change: p.Phe536Leu; replaces phenylalanine 536 with leucine.
Molecular consequence: missense variant.
Genome position (GRCh38, 1-based): chr4:122,743,498, T>C. VCF-style: chr4-122743498-T-C. GRCh37 (hg19) VCF-style: chr4-123664653-T-C.
Other names: c.1606T>C, p.Phe536Leu (NM_001178007.2); short protein forms F536L.
Identifiers: ClinVar variation 1716417 (VCV001716417.3), dbSNP rs2485077416, ClinGen allele CA358225487.